The following is an entry in ClinVar:

NM_016373.4(WWOX):c.808_811dup (p.Ser271Ter)

Gene: WWOX (WW domain containing oxidoreductase; plus strand). Cytogenetic location: 16q23.1.
Variant type: Duplication.
Coding change: c.808_811dup on transcript NM_016373.4 (MANE Select); coding-DNA positions 808 to 811, 4 bases duplicated (GACT; older notation c.808_811dupGACT).
Protein change: p.Ser271Ter; replaces serine 271 with a stop codon.
Molecular consequence: nonsense.
Genome position (GRCh38, 1-based): chr16:78,432,504-78,432,507, GACT duplicated. VCF-style (leftmost placement, unchanged base first): chr16-78432503-C-CGACT. GRCh37 (hg19) VCF-style: chr16-78466400-C-CGACT.
Other names: c.469_472dup, p.Ser158Ter (NM_001291997.2); short protein forms S158*, S271*.
Identifiers: ClinVar variation 3762670 (VCV003762670.2).

ClinVar aggregate classification (germline): Pathogenic (1 of 4 stars; one submission).

Conditions:
Developmental and epileptic encephalopathy, 1 (DEE1). Also called: X-linked infantile spasms; West's syndrome; Tonic spasms with clustering, arrest of psychomotor development and hypsarrhythmia on EEG; X-Linked Infantile Spasm Syndrome; OHTAHARA SYNDROME, X-LINKED; INFANTILE SPASM SYNDROME, X-LINKED 1. Identifiers: MedGen C3463992, MONDO:0010632, OMIM 308350. Disease mechanism: loss of function.
Autosomal recessive spinocerebellar ataxia 12. Also called: SPINOCEREBELLAR ATAXIA WITH MENTAL RETARDATION AND EPILEPSY. Identifiers: Orphanet 284282, MedGen C3280452, MONDO:0013687, OMIM 614322.

Submission:

Labcorp Genetics (formerly Invitae), Labcorp
Classification: Pathogenic for Developmental and epileptic encephalopathy, 1; Autosomal recessive spinocerebellar ataxia 12. Last evaluated: 2025-01-29. Review status: criteria provided, single submitter. Criteria: Invitae Variant Classification Sherloc (09022015). Collection method: clinical testing. Allele origin: germline.
Comment: This sequence change creates a premature translational stop signal (p.Ser271*) in the WWOX gene. It is expected to result in an absent or disrupted protein product. Loss-of-function variants in WWOX are known to be pathogenic (PMID: 24456803, 25411445). This variant is not present in population databases (gnomAD no frequency). This variant has not been reported in the literature in individuals affected with WWOX-related conditions. For these reasons, this variant has been classified as Pathogenic.

Literature cited by the submitters: PubMed 24456803; PubMed 25411445.